The following is an entry in ClinVar:

NM_018685.5(ANLN):c.2468A>G (p.Gln823Arg)

Gene: ANLN (anillin, actin binding protein; plus strand). Cytogenetic location: 7p14.2.
Variant type: single nucleotide variant.
Coding change: c.2468A>G on transcript NM_018685.5 (MANE Select); coding-DNA position 2468, A replaced by G.
Protein change: p.Gln823Arg; replaces glutamine 823 with arginine.
Molecular consequence: missense variant.
Genome position (GRCh38, 1-based): chr7:36,422,801, A>G. VCF-style: chr7-36422801-A-G. GRCh37 (hg19) VCF-style: chr7-36462410-A-G.
Other names: c.2357A>G, p.Gln786Arg (NM_001284301.3); c.2354A>G, p.Gln785Arg (NM_001284302.3); c.2468A>G (NM_018685.4); short protein forms Q785R, Q786R, Q823R.
Identifiers: ClinVar variation 1020301 (VCV001020301.13), dbSNP rs138645117, ClinGen allele CA4219865.

ClinVar aggregate classification (germline): Conflicting classifications of pathogenicity. Review status: criteria provided, conflicting classifications (1 of 4 stars). 3 submissions from 3 submitters: Uncertain significance (2); Likely benign (1). Last evaluated 2026-03-21.

Conditions:
ANLN-related disorder. Also called: ANLN-related condition.

Allele frequency attached by ClinVar (database versions not stated): gnomAD exomes 0.00002; ExAC 0.00003; gnomAD 0.00011 and 0.00014; TOPMed 0.00013; ESP Exome Variant Server 0.00031.
gnomAD v4.1: 42 of 1,599,676 alleles (0.0026%); highest among the groups gnomAD compares: African/African-American, 0.045%; no homozygotes.

Submissions (3):

PreventionGenetics, part of Exact Sciences
Classification: Uncertain significance for ANLN-related condition. Last evaluated: 2026-03-21. Review status: criteria provided, single submitter. Criteria: ACMG Guidelines, 2015. Collection method: clinical testing. Allele origin: germline.
Comment: The ANLN c.2468A>G variant is predicted to result in the amino acid substitution p.Gln823Arg. To our knowledge, this variant has not been reported in the literature. This variant is reported in 0.045% of alleles in individuals of African descent in gnomAD. Although we suspect that this variant may be benign, at this time, the clinical significance of this variant is uncertain due to the absence of conclusive functional and genetic evidence.

CeGaT Center for Human Genetics Tuebingen
Classification: Likely benign. Last evaluated: 2026-01-01. Review status: criteria provided, single submitter. Criteria: CeGaT Center For Human Genetics Tuebingen Variant Classification Criteria Version 2. Collection method: clinical testing. Allele origin: germline. Affected: yes. Observed: 1 variant allele.
Comment: ANLN: BP4, BS2

Labcorp Genetics (formerly Invitae), Labcorp
Classification: Uncertain significance. Last evaluated: 2025-06-12. Review status: criteria provided, single submitter. Criteria: Invitae Variant Classification Sherloc (09022015). Collection method: clinical testing. Allele origin: germline.
Comment: This sequence change replaces glutamine, which is neutral and polar, with arginine, which is basic and polar, at codon 823 of the ANLN protein (p.Gln823Arg). This variant is present in population databases (rs138645117, gnomAD 0.05%), and has an allele count higher than expected for a pathogenic variant. This variant has not been reported in the literature in individuals affected with ANLN-related conditions. ClinVar contains an entry for this variant (Variation ID: 1020301). Invitae Evidence Modeling of protein sequence and biophysical properties (such as structural, functional, and spatial information, amino acid conservation, physicochemical variation, residue mobility, and thermodynamic stability) indicates that this missense variant is not expected to disrupt ANLN protein function with a negative predictive value of 80%. In summary, the available evidence is currently insufficient to determine the role of this variant in disease. Therefore, it has been classified as a Variant of Uncertain Significance.